The following is an entry in ClinVar:

ClinVar aggregate classification (germline): Uncertain significance (1 of 4 stars; one submission).

Allele frequency attached by ClinVar (database versions not stated): TOPMed below 0.00001.
gnomAD v4.1: 1 of 1,614,232 alleles (0.000062%); no homozygotes.

Submission:

Ambry Genetics
Classification: Uncertain significance. Last evaluated: 2022-07-10. Review status: criteria provided, single submitter. Criteria: Ambry Variant Classification Scheme 2023. Collection method: clinical testing. Allele origin: germline.
Comment: The p.H563Q variant (also known as c.1689T>A), located in coding exon 3 of the ALPK2 gene, results from a T to A substitution at nucleotide position 1689. The histidine at codon 563 is replaced by glutamine, an amino acid with highly similar properties. This amino acid position is conserved. In addition, this alteration is predicted to be tolerated by in silico analysis. Since supporting evidence is limited at this time, the clinical significance of this alteration remains unclear.

NM_052947.4(ALPK2):c.1689T>A (p.His563Gln)

Gene: ALPK2 (alpha kinase 2; minus strand). Cytogenetic location: 18q21.31.
Variant type: single nucleotide variant.
Coding change: c.1689T>A on transcript NM_052947.4 (MANE Select); coding-DNA position 1689, T replaced by A.
Protein change: p.His563Gln; replaces histidine 563 with glutamine.
Molecular consequence: missense variant.
Genome position (GRCh38, 1-based): chr18:58,579,087, A>T on the plus strand (T>A on the coding strand, the complement: ALPK2 is on the minus strand). VCF-style: chr18-58579087-A-T. GRCh37 (hg19) VCF-style: chr18-56246319-A-T.
Other names: short protein forms H563Q.
Identifiers: ClinVar variation 1778086 (VCV001778086.2), dbSNP rs1430186162, ClinGen allele CA402560852.
Genomic context (GRCh38, chr18:58,579,087, plus strand): 5'-AGTCTCTCTTTTATCACTCTGGGTTAGTGGGGGCTCAGCAGATTCTTTGGCAGAGCAGAG[A>T]TGAAGGGTACCTTCTGTTGTACTTTCTCTCAGGTTGGCATTCGGCTTCTTGGGATTTCCC-3'
Protein context (NP_443179.3, residues 553-573): LRESTTEGTL[His563Gln]LCSAKESAEP